The following is an entry in ClinVar:

ClinVar aggregate classification (germline): Pathogenic (1 of 4 stars; one submission).

Submission:

GeneDx
Classification: Pathogenic. Last evaluated: 2025-10-25. Review status: criteria provided, single submitter. Criteria: GeneDx Variant Classification Process June 2021. Collection method: clinical testing. Allele origin: germline. Affected: yes.
Comment: Included in a table listing pathogenic ZNF462 variants from the ClinVar and LOVD databases, but no clinical information was provided (PMID: 32543299); Nonsense variant predicted to result in protein truncation or nonsense mediated decay in a gene for which loss of function is a known mechanism of disease; Not observed at significant frequency in large population cohorts (gnomAD); This variant is associated with the following publications: (PMID: 32543299)

NM_021224.6(ZNF462):c.3898C>T (p.Arg1300Ter)

Gene: ZNF462 (zinc finger protein 462; plus strand). Cytogenetic location: 9q31.2.
Variant type: single nucleotide variant.
Coding change: c.3898C>T on transcript NM_021224.6 (MANE Select); coding-DNA position 3898, C replaced by T.
Protein change: p.Arg1300Ter; replaces arginine 1300 with a stop codon.
Molecular consequence: nonsense. On other transcripts: intron variant (1).
Genome position (GRCh38, 1-based): chr9:106,927,810, C>T. VCF-style: chr9-106927810-C-T. GRCh37 (hg19) VCF-style: chr9-109690091-C-T.
Other names: c.3252+646C>T (NM_001347997.2); short protein forms R1300*.
Identifiers: ClinVar variation 523821 (VCV000523821.3), dbSNP rs1176008720, ClinGen allele CA374405838.